The following is an entry in ClinVar:

ClinVar aggregate classification (germline): Pathogenic (1 of 4 stars; one submission).

Submission:

Labcorp Genetics (formerly Invitae), Labcorp
Classification: Pathogenic. Last evaluated: 2022-11-29. Review status: criteria provided, single submitter. Criteria: Invitae Variant Classification Sherloc (09022015). Collection method: clinical testing. Allele origin: germline.
Comment: This sequence change creates a premature translational stop signal (p.Cys2890*) in the EYS gene. While this is not anticipated to result in nonsense mediated decay, it is expected to disrupt the last 255 amino acid(s) of the EYS protein. This variant is not present in population databases (gnomAD no frequency). This variant has not been reported in the literature in individuals affected with EYS-related conditions. ClinVar contains an entry for this variant (Variation ID: 1068675). This variant disrupts a region of the EYS protein in which other variant(s) (p.Tyr3135*) have been determined to be pathogenic (PMID: 18976725, 30337596). This suggests that this is a clinically significant region of the protein, and that variants that disrupt it are likely to be disease-causing. For these reasons, this variant has been classified as Pathogenic.

Literature cited by the submitters: PubMed 18976725; PubMed 30337596.

NM_001142800.2(EYS):c.8670T>A (p.Cys2890Ter)

Genes: EYS (EGF-like photoreceptor maintenance factor; minus strand), PHF3 (PHD finger protein 3; plus strand). Cytogenetic location: 6q12.
Variant type: single nucleotide variant.
Coding change: c.8670T>A on transcript NM_001142800.2 (MANE Select); coding-DNA position 8670, T replaced by A.
Protein change: p.Cys2890Ter; replaces cysteine 2890 with a stop codon.
Molecular consequence: nonsense. On other transcripts: 3 prime UTR variant (5).
Genome position (GRCh38, 1-based): chr6:63,721,361, A>T on the plus strand (T>A on the coding strand, the complement: EYS is on the minus strand). VCF-style: chr6-63721361-A-T. GRCh37 (hg19) VCF-style: chr6-64431257-A-T.
Other names: c.*7653A>T (NM_001290259.2, NM_001370348.2, NM_001370349.2 and 2 more transcripts); c.8733T>A, p.Cys2911Ter (NM_001292009.2); short protein forms C2890*, C2911*.
Identifiers: ClinVar variation 1068675 (VCV001068675.9), dbSNP rs1371323147, ClinGen allele CA364384241.